The following is an entry in ClinVar:

NM_014956.5(CEP164):c.2153A>T (p.Asn718Ile)

Gene: CEP164 (centrosomal protein 164; plus strand). Cytogenetic location: 11q23.3.
Variant type: single nucleotide variant.
Coding change: c.2153A>T on transcript NM_014956.5 (MANE Select); coding-DNA position 2153, A replaced by T.
Protein change: p.Asn718Ile; replaces asparagine 718 with isoleucine.
Molecular consequence: missense variant.
Genome position (GRCh38, 1-based): chr11:117,391,085, A>T. VCF-style: chr11-117391085-A-T. GRCh37 (hg19) VCF-style: chr11-117261801-A-T.
Other names: c.2162A>T, p.Asn721Ile (NM_001271933.2); c.2153A>T (NM_014956.4); short protein forms N721I, N718I.
Identifiers: ClinVar variation 1037872 (VCV001037872.8), dbSNP rs369322915, ClinGen allele CA6294975.

ClinVar aggregate classification (germline): Uncertain significance. Review status: criteria provided, multiple submitters, no conflicts (2 of 4 stars). 6 submissions from 6 submitters: Uncertain significance (6). Last evaluated 2026-08-04.

Conditions:
CEP164-related disorder. Also called: CEP164-related condition.
Inborn genetic diseases. Identifiers: MedGen C0950123, MeSH D030342.
Nephronophthisis 15 (NPHP15). Identifiers: Orphanet 3156, MedGen C3541853, MONDO:0013917, OMIM 614845.

Allele frequency attached by ClinVar (database versions not stated): gnomAD 0.00005 and 0.00006; ESP Exome Variant Server 0.00008; gnomAD exomes 0.00008 and 0.00009; ExAC 0.00011.
gnomAD v4.1: 149 of 1,614,012 alleles (0.0092%); highest among the groups gnomAD compares: Middle Eastern, 0.43%; 1 homozygote.

Submissions (6):

PreventionGenetics, part of Exact Sciences
Classification: Uncertain significance for CEP164-related condition. Last evaluated: 2026-08-04. Review status: criteria provided, single submitter. Criteria: ACMG Guidelines, 2015. Collection method: clinical testing. Allele origin: germline.
Comment: The CEP164 c.2153A>T variant is predicted to result in the amino acid substitution p.Asn718Ile. To our knowledge, this variant has not been reported in the literature. This variant is reported in 0.017% of alleles in individuals of Latino descent in gnomAD. At this time, the clinical significance of this variant is uncertain due to the absence of conclusive functional and genetic evidence.

Ambry Genetics
Classification: Uncertain significance for Inborn genetic diseases. Last evaluated: 2025-01-01. Review status: criteria provided, single submitter. Criteria: Ambry Variant Classification Scheme 2023. Collection method: clinical testing. Allele origin: germline.

Blueprint Genetics
Classification: Uncertain significance. Last evaluated: 2024-07-29. Review status: criteria provided, single submitter. Criteria: ACMG Guidelines, 2015. Collection method: clinical testing. Allele origin: germline.

Fulgent Genetics
Classification: Uncertain significance for Nephronophthisis 15. Last evaluated: 2024-03-11. Review status: criteria provided, single submitter. Criteria: ACMG Guidelines, 2015. Collection method: clinical testing. Allele origin: germline.

Labcorp Genetics (formerly Invitae), Labcorp
Classification: Uncertain significance for Nephronophthisis 15. Last evaluated: 2022-08-16. Review status: criteria provided, single submitter. Criteria: Invitae Variant Classification Sherloc (09022015). Collection method: clinical testing. Allele origin: germline.
Comment: This sequence change replaces asparagine, which is neutral and polar, with isoleucine, which is neutral and non-polar, at codon 718 of the CEP164 protein (p.Asn718Ile). This variant is present in population databases (rs369322915, gnomAD 0.01%). This variant has not been reported in the literature in individuals affected with CEP164-related conditions. ClinVar contains an entry for this variant (Variation ID: 1037872). Algorithms developed to predict the effect of missense changes on protein structure and function are either unavailable or do not agree on the potential impact of this missense change (SIFT: "Deleterious"; PolyPhen-2: "Possibly Damaging"; Align-GVGD: "Class C0"). In summary, the available evidence is currently insufficient to determine the role of this variant in disease. Therefore, it has been classified as a Variant of Uncertain Significance.

Breakthrough Genomics
Classification: Uncertain significance. Review status: criteria provided, single submitter. Criteria: ACMG Guidelines, 2015. Collection method: not provided. Allele origin: germline. Inheritance: Autosomal recessive inheritance. Affected: yes.